The following is an entry in ClinVar:

NM_000135.4(FANCA):c.3626+4C>T

Gene: FANCA (FA complementation group A; minus strand). Cytogenetic location: 16q24.3.
Variant type: single nucleotide variant.
Coding change: c.3626+4C>T on transcript NM_000135.4 (MANE Select); 4 bases into the intron after coding-DNA position 3626, C replaced by T.
Molecular consequence: intron variant.
Genome position (GRCh38, 1-based): chr16:89,744,955, G>A on the plus strand (C>T on the coding strand, the complement: FANCA is on the minus strand). VCF-style: chr16-89744955-G-A. GRCh37 (hg19) VCF-style: chr16-89811363-G-A.
Other names: p.?; c.3626+4C>T (NM_001286167.3).
Identifiers: ClinVar variation 808164 (VCV000808164.54), dbSNP rs772166806, ClinGen allele CA8251075.

ClinVar aggregate classification (germline): Uncertain significance. Review status: criteria provided, multiple submitters, no conflicts (2 of 4 stars). 7 submissions from 7 submitters: Uncertain significance (5). 2 of the submissions do not count toward it. Last evaluated 2025-09-24.

Conditions:
FANCA-related disorder. Also called: FANCA-related condition.
Fanconi anemia (FA). Also called: Fanconi's anemia. Identifiers: Orphanet 84, MedGen C0015625, MeSH D005199, MONDO:0019391.
Fanconi anemia complementation group A (FANCA). Also called: Fanconi anemia, group A; FANCA-Related Fanconi Anemia. Identifiers: Orphanet 84, MedGen C3469521, MONDO:0009215, OMIM 227650.

Allele frequency attached by ClinVar (database versions not stated): gnomAD 0.00001; TOPMed 0.00001; ExAC 0.00004; gnomAD exomes 0.00005; 1000 Genomes Project 30x 0.00016.
gnomAD v4.1: 76 of 1,611,118 alleles (0.0047%); highest among the groups gnomAD compares: Non-Finnish European, 0.0052%; no homozygotes.

Submissions (7):

Labcorp Genetics (formerly Invitae), Labcorp
Classification: Uncertain significance for Fanconi anemia. Last evaluated: 2025-09-24. Review status: criteria provided, single submitter. Criteria: Invitae Variant Classification Sherloc (09022015). Collection method: clinical testing. Allele origin: germline.
Comment: This sequence change falls in intron 36 of the FANCA gene. It does not directly change the encoded amino acid sequence of the FANCA protein. It affects a nucleotide within the consensus splice site. This variant is present in population databases (rs772166806, gnomAD 0.01%). This variant has not been reported in the literature in individuals affected with FANCA-related conditions. ClinVar contains an entry for this variant (Variation ID: 808164). Variants that disrupt the consensus splice site are a relatively common cause of aberrant splicing (PMID: 17576681, 9536098). Algorithms developed to predict the effect of sequence changes on RNA splicing suggest that this variant is not likely to affect RNA splicing. In summary, the available evidence is currently insufficient to determine the role of this variant in disease. Therefore, it has been classified as a Variant of Uncertain Significance.

Mayo Clinic Laboratories, Mayo Clinic
Classification: Uncertain significance. Last evaluated: 2025-01-16. Review status: criteria provided, single submitter. Criteria: ACMG Guidelines, 2015. Collection method: clinical testing. Allele origin: germline. Observed: 1 variant allele.
Comment: BP4

Fulgent Genetics
Classification: Uncertain significance for Fanconi anemia complementation group A. Last evaluated: 2022-05-26. Review status: criteria provided, single submitter. Criteria: ACMG Guidelines, 2015. Collection method: clinical testing. Allele origin: unknown.

Sema4
Classification: Uncertain significance for Fanconi anemia. Last evaluated: 2021-08-20. Review status: criteria provided, single submitter. Criteria: Sema4 Curation Guidelines. Collection method: curation. Allele origin: germline.
Comment: The FANCA c.3626+4C>T variant has not been reported in the literature to our knowledge. It was observed in 3/24824 chromosomes of the African/African American subpopulation in the large and broad cohorts of the Genome Aggregation Database (PMID: 32461654). The variant has been reported in ClinVar (Variation ID 808164). In silico tools suggest that the variant may not impact splicing, though these predictions have not been confirmed by functional studies. The evidence is insufficient to meet ACMG/AMP criteria for classifying the variant as benign or pathogenic. Thus, the clinical significance of this variant is currently uncertain.

CeGaT Center for Human Genetics Tuebingen
Classification: Uncertain significance. Last evaluated: 2018-07-01. Review status: criteria provided, single submitter. Criteria: CeGaT Center For Human Genetics Tuebingen Variant Classification Criteria Version 2. Collection method: clinical testing. Allele origin: germline. Affected: yes. Observed: 1 variant allele.

PreventionGenetics, part of Exact Sciences
Classification: Likely benign for FANCA-related condition. Last evaluated: 2021-07-26. Review status: no assertion criteria provided. Collection method: clinical testing. Allele origin: germline. Not counted in ClinVar's aggregate classification.
Comment: This variant is classified as likely benign based on ACMG/AMP sequence variant interpretation guidelines (Richards et al. 2015 PMID: 25741868, with internal and published modifications).

Natera, Inc.
Classification: Uncertain significance for Fanconi anemia. Last evaluated: 2020-12-21. Review status: no assertion criteria provided. Collection method: clinical testing. Allele origin: germline. Not counted in ClinVar's aggregate classification.

Literature cited by the submitters: PubMed 17576681 (cited by Labcorp Genetics (formerly Invitae), Labcorp); PubMed 9536098 (cited by Labcorp Genetics (formerly Invitae), Labcorp).